The following is an entry in ClinVar:

NM_014946.4(SPAST):c.164A>C (p.Tyr55Ser)

Gene: SPAST (spastin; plus strand). Cytogenetic location: 2p22.3.
Variant type: single nucleotide variant.
Coding change: c.164A>C on transcript NM_014946.4 (MANE Select); coding-DNA position 164, A replaced by C.
Protein change: p.Tyr55Ser; replaces tyrosine 55 with serine.
Molecular consequence: missense variant.
Genome position (GRCh38, 1-based): chr2:32,063,995, A>C. VCF-style: chr2-32063995-A-C. GRCh37 (hg19) VCF-style: chr2-32289064-A-C.
Other names: c.164A>C, p.Tyr55Ser (NM_001363823.2, NM_001363875.2, NM_001377959.1 and 1 more transcripts); short protein forms Y55S.
Identifiers: ClinVar variation 1984956 (VCV001984956.4), dbSNP rs2465681019, ClinGen allele CA346601531.

ClinVar aggregate classification (germline): Uncertain significance (1 of 4 stars; one submission).

Conditions:
Hereditary spastic paraplegia 4. Also called: Spastic paraplegia 4, autosomal dominant; Spastic Paraplegia 4; Familial spastic paraplegia autosomal dominant 2. Identifiers: Orphanet 100985, MedGen C1866855, MONDO:0008438, OMIM 182601.

gnomAD v4.1: 1 of 1,613,062 alleles (0.000062%); highest among the groups gnomAD compares: Non-Finnish European, 0.000085%; no homozygotes.

Submission:

Labcorp Genetics (formerly Invitae), Labcorp
Classification: Uncertain significance for Hereditary spastic paraplegia 4. Last evaluated: 2022-06-10. Review status: criteria provided, single submitter. Criteria: Invitae Variant Classification Sherloc (09022015). Collection method: clinical testing. Allele origin: germline.
Comment: In summary, the available evidence is currently insufficient to determine the role of this variant in disease. Therefore, it has been classified as a Variant of Uncertain Significance. Advanced modeling of protein sequence and biophysical properties (such as structural, functional, and spatial information, amino acid conservation, physicochemical variation, residue mobility, and thermodynamic stability) performed at Invitae indicates that this missense variant is not expected to disrupt SPAST protein function. This variant has not been reported in the literature in individuals affected with SPAST-related conditions. This variant is not present in population databases (gnomAD no frequency). This sequence change replaces tyrosine, which is neutral and polar, with serine, which is neutral and polar, at codon 55 of the SPAST protein (p.Tyr55Ser).